The following is an entry in ClinVar:

ClinVar aggregate classification (germline): Likely benign (0 of 4 stars; one submission).

Conditions:
CSDE1-related disorder. Also called: CSDE1-related condition.

Allele frequency attached by ClinVar (database versions not stated): ExAC 0.00007; ESP Exome Variant Server 0.00008; TOPMed 0.00012; gnomAD 0.00014; gnomAD exomes 0.00022.
gnomAD v4.1: 345 of 1,613,848 alleles (0.021%); highest among the groups gnomAD compares: Non-Finnish European, 0.028%; 1 homozygote.

Submission:

PreventionGenetics, part of Exact Sciences
Classification: Likely benign for CSDE1-related condition. Last evaluated: 2019-07-24. Review status: no assertion criteria provided. Collection method: clinical testing. Allele origin: germline.
Comment: This variant is classified as likely benign based on ACMG/AMP sequence variant interpretation guidelines (Richards et al. 2015 PMID: 25741868, with internal and published modifications).

NM_001007553.3(CSDE1):c.*10C>G

Gene: CSDE1 (cold shock domain containing E1; minus strand). Cytogenetic location: 1p13.2.
Variant type: single nucleotide variant.
Coding change: c.*10C>G on transcript NM_001007553.3 (MANE Select); 10 bases downstream of the stop codon, C replaced by G.
Molecular consequence: 3 prime UTR variant.
Genome position (GRCh38, 1-based): chr1:114,718,159, G>C on the plus strand (C>G on the coding strand, the complement: CSDE1 is on the minus strand). VCF-style: chr1-114718159-G-C. GRCh37 (hg19) VCF-style: chr1-115260780-G-C.
Other names: c.*10C>G (NM_001130523.3, NM_001242891.2, NM_001242892.2 and 2 more transcripts).
Identifiers: ClinVar variation 3050658 (VCV003050658.2), dbSNP rs369948708, ClinGen allele CA1020820.
Genomic context (GRCh38, chr1:114,718,159, plus strand): 5'-ATTCAGAACCCTTCACCAGATTCCCCCCAACTTGATCATAGTGGATTAATGGTGTGCTTT[G>C]TGGATGTGGTTAGTCAATGACACCAGCTTGACGGATCTTTCTTTCTGCACCAAACCCCTG-3'